The following is an entry in ClinVar:

ClinVar aggregate classification (germline): Pathogenic. Review status: criteria provided, single submitter (1 of 4 stars). 2 submissions from 2 submitters: Pathogenic (1). 1 of the submissions does not count toward it. Last evaluated 2025-06-03.

Conditions:
Familial hemophagocytic lymphohistiocytosis (FHL). Also called: Hereditary hemophagocytic lymphohistiocytosis; Familial erythrophagocytic lymphohistiocytosis; Familial histiocytic reticulosis. Identifiers: Orphanet 158038, Orphanet 540, MedGen C0272199, MONDO:0015541.
Familial hemophagocytic lymphohistiocytosis 3 (FHL3). Also called: UNC13D-Related Familial Hemophagocytic Lymphohistiocytosis (UNC13D-fHLH). Identifiers: Orphanet 540, MedGen C1837174, MONDO:0012146, OMIM 608898.

gnomAD v4.1: 4 of 1,613,804 alleles (0.00025%); highest among the groups gnomAD compares: Non-Finnish European, 0.00034%; no homozygotes.

Submissions (2):

Women's Health and Genetics/Laboratory Corporation of America, LabCorp
Classification: Pathogenic for Familial hemophagocytic lymphohistiocytosis. Last evaluated: 2025-06-03. Review status: criteria provided, single submitter. Criteria: LabCorp Variant Classification Summary - May 2015. Collection method: clinical testing. Allele origin: germline.
Comment: Variant summary: UNC13D c.1208T>C (p.Leu403Pro) results in a non-conservative amino acid change in the encoded protein sequence. Algorithms developed to predict the effect of missense changes on protein structure and function all suggest that this variant is likely to be disruptive. The variant was absent in 250864 control chromosomes. c.1208T>C has been observed in multiple individuals affected with Familial Hemophagocytic Lymphohistiocytosis (e.g., Bahadir_2022, Platt_2021, Sieni_2011, ZurStadt_2006). Publications have reported experimental evidence evaluating an impact on protein function that demonstrate this variant results in absent activity compared to wild-type (ZurStadt_2006, Noori_2023). The following publications have been ascertained in the context of this evaluation (PMID: 35293882, 36706356, 32888943, 21248318, 16278825). ClinVar contains an entry for this variant (Variation ID: 2002). Based on the evidence outlined above, the variant was classified as pathogenic.

OMIM
Classification: Pathogenic for HEMOPHAGOCYTIC LYMPHOHISTIOCYTOSIS, FAMILIAL, 3. Last evaluated: 2006-01-01. Review status: no assertion criteria provided. Collection method: literature only. Allele origin: germline. Not counted in ClinVar's aggregate classification.

Literature cited by the submitters: PubMed 16278825 (cited by Women's Health and Genetics/Laboratory Corporation of America, LabCorp and OMIM); PubMed 21248318 (cited by Women's Health and Genetics/Laboratory Corporation of America, LabCorp); PubMed 32888943 (cited by Women's Health and Genetics/Laboratory Corporation of America, LabCorp); PubMed 36706356 (cited by Women's Health and Genetics/Laboratory Corporation of America, LabCorp); PubMed 35293882 (cited by Women's Health and Genetics/Laboratory Corporation of America, LabCorp).

NM_199242.3(UNC13D):c.1208T>C (p.Leu403Pro)

Gene: UNC13D (unc-13 homolog D; minus strand). Cytogenetic location: 17q25.1.
Variant type: single nucleotide variant.
Coding change: c.1208T>C on transcript NM_199242.3 (MANE Select); coding-DNA position 1208, T replaced by C.
Protein change: p.Leu403Pro; replaces leucine 403 with proline.
Molecular consequence: missense variant.
Genome position (GRCh38, 1-based): chr17:75,836,662, A>G on the plus strand (T>C on the coding strand, the complement: UNC13D is on the minus strand). VCF-style: chr17-75836662-A-G. GRCh37 (hg19) VCF-style: chr17-73832743-A-G.
Other names: short protein forms L403P.
Identifiers: ClinVar variation 2002 (VCV000002002.2), dbSNP rs121434353, ClinGen allele CA252035.